The following is an entry in ClinVar:

ClinVar aggregate classification (germline): Likely benign. Review status: criteria provided, multiple submitters, no conflicts (2 of 4 stars). 2 submissions from 2 submitters: Likely benign (2). Last evaluated 2025-08-01.

gnomAD v4.1: 55 of 1,614,072 alleles (0.0034%); highest among the groups gnomAD compares: East Asian, 0.0067%; no homozygotes.

Submissions (2):

CeGaT Center for Human Genetics Tuebingen
Classification: Likely benign. Last evaluated: 2025-08-01. Review status: criteria provided, single submitter. Criteria: CeGaT Center For Human Genetics Tuebingen Variant Classification Criteria Version 2. Collection method: clinical testing. Allele origin: germline. Affected: yes. Observed: 1 variant allele.
Comment: SF3B4: BP4, BP7

Blueprint Genetics
Classification: Likely benign. Last evaluated: 2023-05-11. Review status: criteria provided, single submitter. Criteria: ACMG Guidelines, 2015. Collection method: clinical testing. Allele origin: germline.

NM_005850.5(SF3B4):c.573C>T (p.Ala191=)

Gene: SF3B4 (splicing factor 3b subunit 4; minus strand). Cytogenetic location: 1q21.2.
Variant type: single nucleotide variant.
Coding change: c.573C>T on transcript NM_005850.5 (MANE Select); coding-DNA position 573, C replaced by T.
Protein change: p.Ala191=; no amino-acid change (alanine 191 retained).
Molecular consequence: synonymous variant.
Genome position (GRCh38, 1-based): chr1:149,926,509, G>A on the plus strand (C>T on the coding strand, the complement: SF3B4 is on the minus strand). VCF-style: chr1-149926509-G-A. GRCh37 (hg19) VCF-style: chr1-149898401-G-A.
Identifiers: ClinVar variation 4083897 (VCV004083897.9).